The following is an entry in ClinVar:

NC_000006.11:g.(?_80196721)_(80228611_?)dup

Gene: LCA5 (lebercilin LCA5; minus strand). Cytogenetic location: 6q14.1.
Variant type: Duplication.
Identifiers: ClinVar variation 2427578 (VCV002427578.3).

ClinVar aggregate classification (germline): Uncertain significance (1 of 4 stars; one submission).

Submission:

Labcorp Genetics (formerly Invitae), Labcorp
Classification: Uncertain significance. Last evaluated: 2022-09-06. Review status: criteria provided, single submitter. Criteria: Invitae Variant Classification Sherloc (09022015). Collection method: clinical testing. Allele origin: germline.
Comment: A copy number gain of the genomic region encompassing the full coding sequence of the LCA5 gene has been identified. The boundaries of this event are unknown as they extend beyond the assayed region for this gene and therefore may encompass additional genes. As the precise location of this event is unknown, it may be in tandem or it may be located elsewhere in the genome. This variant has not been reported in the literature in individuals affected with LCA5-related conditions. In summary, the available evidence is currently insufficient to determine the role of this variant in disease. Therefore, it has been classified as a Variant of Uncertain Significance.